The following is an entry in ClinVar:

NM_005560.6(LAMA5):c.10191C>T (p.Ser3397=)

Gene: LAMA5 (laminin subunit alpha 5; minus strand). Cytogenetic location: 20q13.33.
Variant type: single nucleotide variant.
Coding change: c.10191C>T on transcript NM_005560.6 (MANE Select); coding-DNA position 10191, C replaced by T.
Protein change: p.Ser3397=; no amino-acid change (serine 3397 retained).
Molecular consequence: synonymous variant.
Genome position (GRCh38, 1-based): chr20:62,310,992, G>A on the plus strand (C>T on the coding strand, the complement: LAMA5 is on the minus strand). VCF-style: chr20-62310992-G-A. GRCh37 (hg19) VCF-style: chr20-60886048-G-A.
Identifiers: ClinVar variation 3050959 (VCV003050959.4), dbSNP rs747969339, ClinGen allele CA9939886.

ClinVar aggregate classification (germline): Likely benign. Review status: criteria provided, single submitter (1 of 4 stars). 2 submissions from 2 submitters: Likely benign (1). 1 of the submissions does not count toward it. Last evaluated 2024-08-20.

Conditions:
LAMA5-related disorder. Also called: LAMA5-Related Disorders; LAMA5-related condition.

Allele frequency attached by ClinVar (database versions not stated): TOPMed below 0.00001; ExAC 0.00001.
gnomAD v4.1: 20 of 1,611,200 alleles (0.0012%); highest among the groups gnomAD compares: East Asian, 0.027%; no homozygotes.

Submissions (2):

Labcorp Genetics (formerly Invitae), Labcorp
Classification: Likely benign. Last evaluated: 2024-08-20. Review status: criteria provided, single submitter. Criteria: Invitae Variant Classification Sherloc (09022015). Collection method: clinical testing. Allele origin: germline.

PreventionGenetics, part of Exact Sciences
Classification: Likely benign for LAMA5-related condition. Last evaluated: 2022-04-27. Review status: no assertion criteria provided. Collection method: clinical testing. Allele origin: germline. Not counted in ClinVar's aggregate classification.
Comment: This variant is classified as likely benign based on ACMG/AMP sequence variant interpretation guidelines (Richards et al. 2015 PMID: 25741868, with internal and published modifications).